The following is an entry in ClinVar:

ClinVar aggregate classification (germline): Uncertain significance. Review status: criteria provided, multiple submitters, no conflicts (2 of 4 stars). 2 submissions from 2 submitters: Uncertain significance (2). Last evaluated 2023-09-09.

Conditions:
Hereditary cancer-predisposing syndrome. Also called: Hereditary neoplastic syndrome; Neoplastic Syndromes, Hereditary; Tumor predisposition; Hereditary Cancer Syndrome. Identifiers: Orphanet 140162, MedGen C0027672, MeSH D009386, MONDO:0015356.
Hereditary breast ovarian cancer syndrome. Also called: Hereditary breast and/or ovarian cancer syndrome; Hereditary breast and ovarian cancer syndrome (HBOC); Breast and ovarian cancer; Hereditary breast and ovarian cancer; BRCA1- and BRCA2-Associated Hereditary Breast and Ovarian Cancer; Hereditary breast and ovarian cancer syndrome. Identifiers: Orphanet 145, MedGen C0677776, MeSH D061325, MONDO:0003582. Disease mechanism: loss of function.

Submissions (2):

Ambry Genetics
Classification: Uncertain significance for Hereditary cancer-predisposing syndrome. Last evaluated: 2023-09-09. Review status: criteria provided, single submitter. Criteria: Ambry Variant Classification Scheme 2023. Collection method: clinical testing. Allele origin: germline.
Comment: The p.L791V variant (also known as c.2371C>G), located in coding exon 15 of the CDH1 gene, results from a C to G substitution at nucleotide position 2371. The leucine at codon 791 is replaced by valine, an amino acid with highly similar properties. This amino acid position is conserved. In addition, this alteration is predicted to be tolerated by in silico analysis. Since supporting evidence is limited at this time, the clinical significance of this alteration remains unclear.

Cancer Genomics Group, Japanese Foundation For Cancer Research
Classification: Uncertain significance for Hereditary breast and ovarian cancer syndrome. Last evaluated: 2019-05-01. Review status: criteria provided, single submitter. Criteria: ACMG Guidelines, 2015. Collection method: research. Allele origin: germline. Affected: yes.

NM_004360.5(CDH1):c.2371C>G (p.Leu791Val)

Gene: CDH1 (cadherin 1; plus strand). Cytogenetic location: 16q22.1.
Variant type: single nucleotide variant.
Coding change: c.2371C>G on transcript NM_004360.5 (MANE Select); coding-DNA position 2371, C replaced by G.
Protein change: p.Leu791Val; replaces leucine 791 with valine.
Molecular consequence: missense variant.
Genome position (GRCh38, 1-based): chr16:68,829,729, C>G. VCF-style: chr16-68829729-C-G. GRCh37 (hg19) VCF-style: chr16-68863632-C-G.
Other names: c.2188C>G, p.Leu730Val (NM_001317184.2); c.823C>G, p.Leu275Val (NM_001317185.2); c.406C>G, p.Leu136Val (NM_001317186.2); c.2371C>G (NM_004360.3); short protein forms L136V, L275V, L730V, L791V.
Identifiers: ClinVar variation 830278 (VCV000830278.4), dbSNP rs786202598, ClinGen allele CA396471093.